The following is an entry in ClinVar:

ClinVar aggregate classification (germline): Uncertain significance (1 of 4 stars; one submission).

Allele frequency attached by ClinVar (database versions not stated): TOPMed 0.00001; gnomAD exomes 0.00001.
gnomAD v4.1: 12 of 1,614,240 alleles (0.00074%); highest among the groups gnomAD compares: Non-Finnish European, 0.001%; no homozygotes.

Submission:

Labcorp Genetics (formerly Invitae), Labcorp
Classification: Uncertain significance. Last evaluated: 2025-07-20. Review status: criteria provided, single submitter. Criteria: Invitae Variant Classification Sherloc (09022015). Collection method: clinical testing. Allele origin: germline.
Comment: This sequence change replaces isoleucine, which is neutral and non-polar, with leucine, which is neutral and non-polar, at codon 483 of the PPP2R1A protein (p.Ile483Leu). This variant is not present in population databases (gnomAD no frequency). This variant has not been reported in the literature in individuals affected with PPP2R1A-related conditions. ClinVar contains an entry for this variant (Variation ID: 2090510). Invitae Evidence Modeling of protein sequence and biophysical properties (such as structural, functional, and spatial information, amino acid conservation, physicochemical variation, residue mobility, and thermodynamic stability) indicates that this missense variant is not expected to disrupt PPP2R1A protein function with a negative predictive value of 80%. In summary, the available evidence is currently insufficient to determine the role of this variant in disease. Therefore, it has been classified as a Variant of Uncertain Significance.

NM_014225.6(PPP2R1A):c.1447A>C (p.Ile483Leu)

Gene: PPP2R1A (protein phosphatase 2 scaffold subunit Aalpha; plus strand). Cytogenetic location: 19q13.41.
Variant type: single nucleotide variant.
Coding change: c.1447A>C on transcript NM_014225.6 (MANE Select); coding-DNA position 1447, A replaced by C.
Protein change: p.Ile483Leu; replaces isoleucine 483 with leucine.
Molecular consequence: missense variant. On other transcripts: non-coding transcript variant (1).
Genome position (GRCh38, 1-based): chr19:52,221,062, A>C. VCF-style: chr19-52221062-A-C. GRCh37 (hg19) VCF-style: chr19-52724315-A-C.
Other names: c.910A>C, p.Ile304Leu (NM_001363656.2); short protein forms I304L, I483L.
Identifiers: ClinVar variation 2090510 (VCV002090510.4), dbSNP rs1978894659, ClinGen allele CA407190245.
Genomic context (GRCh38, chr19:52,221,062, plus strand): 5'-ACCAGCAACCTGAAGAAGCTAGTGGAAAAGTTTGGGAAGGAGTGGGCCCATGCCACAATC[A>C]TCCCCAAGGTCTTGGCCATGTCCGGAGACCCCAACTACCTGCACCGCATGACTACGCTCT-3'
Protein context (NP_055040.2, residues 473-493): FGKEWAHATI[Ile483Leu]PKVLAMSGDP